The following is an entry in ClinVar:

NM_006494.4(ERF):c.137T>C (p.Ile46Thr)

Gene: ERF (ETS2 repressor factor; minus strand). Cytogenetic location: 19q13.2.
Variant type: single nucleotide variant.
Coding change: c.137T>C on transcript NM_006494.4 (MANE Select); coding-DNA position 137, T replaced by C.
Protein change: p.Ile46Thr; replaces isoleucine 46 with threonine.
Molecular consequence: missense variant. On other transcripts: 5 prime UTR variant (3).
Genome position (GRCh38, 1-based): chr19:42,250,451, A>G on the plus strand (T>C on the coding strand, the complement: ERF is on the minus strand). VCF-style: chr19-42250451-A-G. GRCh37 (hg19) VCF-style: chr19-42754603-A-G.
Other names: c.-89T>C (NM_001301035.2, NM_001308402.2, NM_001312656.2); short protein forms I46T.
Identifiers: ClinVar variation 3719676 (VCV003719676.2).

ClinVar aggregate classification (germline): Uncertain significance (1 of 4 stars; one submission).

Conditions:
TWIST1-related craniosynostosis (CRS1). Also called: CRANIOSYNOSTOSIS 1. Identifiers: Orphanet 63440, MedGen C4551902, MONDO:0007399, OMIM 123100. Inheritance: Heterogenous inheritance pattern.

Submission:

Labcorp Genetics (formerly Invitae), Labcorp
Classification: Uncertain significance for TWIST1-related craniosynostosis. Last evaluated: 2024-11-08. Review status: criteria provided, single submitter. Criteria: Invitae Variant Classification Sherloc (09022015). Collection method: clinical testing. Allele origin: germline.
Comment: This sequence change replaces isoleucine, which is neutral and non-polar, with threonine, which is neutral and polar, at codon 46 of the ERF protein (p.Ile46Thr). This variant is present in population databases (rs769908132, gnomAD 0.0009%). This variant has not been reported in the literature in individuals affected with ERF-related conditions. Invitae Evidence Modeling of protein sequence and biophysical properties (such as structural, functional, and spatial information, amino acid conservation, physicochemical variation, residue mobility, and thermodynamic stability) indicates that this missense variant is expected to disrupt ERF protein function with a positive predictive value of 95%. In summary, the available evidence is currently insufficient to determine the role of this variant in disease. Therefore, it has been classified as a Variant of Uncertain Significance.